The following is an entry in ClinVar:

NM_001378452.1(ITPR1):c.5700C>G (p.Asp1900Glu)

Gene: ITPR1 (inositol 1,4,5-trisphosphate receptor type 1; plus strand). Cytogenetic location: 3p26.1.
Variant type: single nucleotide variant.
Coding change: c.5700C>G on transcript NM_001378452.1 (MANE Select); coding-DNA position 5700, C replaced by G.
Protein change: p.Asp1900Glu; replaces aspartic acid 1900 with glutamic acid.
Molecular consequence: missense variant.
Genome position (GRCh38, 1-based): chr3:4,766,685, C>G. VCF-style: chr3-4766685-C-G. GRCh37 (hg19) VCF-style: chr3-4808369-C-G.
Other names: c.5556C>G, p.Asp1852Glu (NM_001099952.4); c.5655C>G, p.Asp1885Glu (NM_001168272.2); c.5511C>G, p.Asp1837Glu (NM_002222.7); short protein forms D1837E, D1852E, D1885E, D1900E.
Identifiers: ClinVar variation 1986677 (VCV001986677.4), dbSNP rs746742660, ClinGen allele CA2232387.

ClinVar aggregate classification (germline): Uncertain significance (1 of 4 stars; one submission).

Allele frequency attached by ClinVar (database versions not stated): ExAC 0.00002; gnomAD 0.00003; gnomAD exomes 0.00004; TOPMed 0.00004.
gnomAD v4.1: 57 of 1,606,000 alleles (0.0035%); highest among the groups gnomAD compares: Non-Finnish European, 0.0048%; no homozygotes.

Submission:

Labcorp Genetics (formerly Invitae), Labcorp
Classification: Uncertain significance. Last evaluated: 2024-08-05. Review status: criteria provided, single submitter. Criteria: Invitae Variant Classification Sherloc (09022015). Collection method: clinical testing. Allele origin: germline.
Comment: This sequence change replaces aspartic acid, which is acidic and polar, with glutamic acid, which is acidic and polar, at codon 1837 of the ITPR1 protein (p.Asp1837Glu). This variant is present in population databases (rs746742660, gnomAD 0.007%). This variant has not been reported in the literature in individuals affected with ITPR1-related conditions. ClinVar contains an entry for this variant (Variation ID: 1986677). Advanced modeling of protein sequence and biophysical properties (such as structural, functional, and spatial information, amino acid conservation, physicochemical variation, residue mobility, and thermodynamic stability) performed at Invitae indicates that this missense variant is not expected to disrupt ITPR1 protein function with a negative predictive value of 95%. In summary, the available evidence is currently insufficient to determine the role of this variant in disease. Therefore, it has been classified as a Variant of Uncertain Significance.